The following is an entry in ClinVar:

ClinVar aggregate classification (germline): Uncertain significance (1 of 4 stars; one submission).

Conditions:
Atrial fibrillation, familial, 11 (ATFB11). Identifiers: MedGen C3279693, MONDO:0013544, OMIM 614049.
Atrial standstill 1 (ATRST1). Also called: Atrial standstill, digenic (GJA5/SCN5A); ATRIAL CARDIOMYOPATHY WITH HEART BLOCK; CARDIOMYOPATHY, FAMILIAL, WITH CONDUCTION DISTURBANCE. Identifiers: Orphanet 1344, MedGen C4551959, MONDO:0007171, OMIM 108770.

Submission:

Labcorp Genetics (formerly Invitae), Labcorp
Classification: Uncertain significance for Atrial fibrillation, familial, 11; Atrial standstill 1. Last evaluated: 2024-10-18. Review status: criteria provided, single submitter. Criteria: Invitae Variant Classification Sherloc (09022015). Collection method: clinical testing. Allele origin: germline.
Comment: This sequence change creates a premature translational stop signal (p.Gly94Alafs*65) in the GJA5 gene. While this is not anticipated to result in nonsense mediated decay, it is expected to disrupt the last 265 amino acid(s) of the GJA5 protein. This variant is not present in population databases (gnomAD no frequency). This variant has not been reported in the literature in individuals affected with GJA5-related conditions. ClinVar contains an entry for this variant (Variation ID: 2030358). Experimental studies and prediction algorithms are not available or were not evaluated, and the functional significance of this variant is currently unknown. This variant disrupts a region of the GJA5 protein in which other variant(s) (p.Leu221Ile) have been observed in individuals with GJA5-related conditions (PMID: 20650941). This suggests that this is a clinically significant region of the protein, and that variants that disrupt it are likely to be disease-causing. In summary, the available evidence is currently insufficient to determine the role of this variant in disease. Therefore, it has been classified as a Variant of Uncertain Significance.

Literature cited by the submitters: PubMed 20650941.

NM_181703.4(GJA5):c.281del (p.Gly94fs)

Gene: GJA5 (gap junction protein alpha 5; minus strand). Cytogenetic location: 1q21.2.
Variant type: Deletion.
Coding change: c.281del on transcript NM_181703.4 (MANE Select); coding-DNA position 281, one base deleted (G; older notation c.281delG).
Protein change: p.Gly94fs; shifts the reading frame from glycine 94.
Molecular consequence: frameshift variant.
Genome position (GRCh38, 1-based): chr1:147,758,958, C deleted on the plus strand (G on the coding strand, the reverse complement: GJA5 is on the minus strand); the first of 3 consecutive C bases (chr1:147,758,958-147,758,960); deleting any one gives the same sequence. VCF-style (leftmost placement, unchanged base first): chr1-147758957-GC-G. GRCh37 (hg19) VCF-style: chr1-147231065-GC-G.
Other names: c.281del, p.Gly94fs (NM_005266.7); short protein forms G94fs.
Identifiers: ClinVar variation 2030358 (VCV002030358.4), dbSNP rs2524611670, ClinGen allele CA2580060960.